The following is an entry in ClinVar:

NM_017988.6(SCYL2):c.1396-5T>C

Gene: SCYL2 (SCY1 like pseudokinase 2; plus strand). Cytogenetic location: 12q23.1.
Variant type: single nucleotide variant.
Coding change: c.1396-5T>C on transcript NM_017988.6 (MANE Select); 5 bases into the intron before coding-DNA position 1396, T replaced by C.
Molecular consequence: intron variant.
Genome position (GRCh38, 1-based): chr12:100,323,520, T>C. VCF-style: chr12-100323520-T-C. GRCh37 (hg19) VCF-style: chr12-100717298-T-C.
Other names: c.1408-5T>C (NM_001330253.2, NM_001330254.2); c.889-5T>C (NM_001330256.2); c.1396-5T>C (NM_001317784.2).
Identifiers: ClinVar variation 2269765 (VCV002269765.2), dbSNP rs7971710, ClinGen allele CA6738281.

ClinVar aggregate classification (germline): Uncertain significance (1 of 4 stars; one submission).

Conditions:
Inborn genetic diseases. Identifiers: MedGen C0950123, MeSH D030342.

gnomAD v4.1: 6 of 1,503,484 alleles (0.0004%); highest among the groups gnomAD compares: Admixed American, 0.0053%; no homozygotes.

Submission:

Ambry Genetics
Classification: Uncertain significance for Inborn genetic diseases. Last evaluated: 2022-02-08. Review status: criteria provided, single submitter. Criteria: Ambry Variant Classification Scheme 2023. Collection method: clinical testing. Allele origin: germline.
Comment: The c.1396-5T>C intronic alteration consists of a T to C substitution 5 nucleotides before coding exon 10 in the SCYL2 gene. Based on insufficient or conflicting evidence, the clinical significance of this alteration remains unclear.